The following is an entry in ClinVar:

ClinVar aggregate classification (germline): Uncertain significance (1 of 4 stars; one submission).

Conditions:
Primary ciliary dyskinesia 6. Also called: Primary Ciliary Dyskinesia 6: TXNDC3-Related Primary Ciliary Dyskinesia. Identifiers: Orphanet 244, MedGen C1970506, MONDO:0012571, OMIM 610852.

Allele frequency attached by ClinVar (database versions not stated): gnomAD exomes 0.00001 and 0.00002; ExAC 0.00002; ESP Exome Variant Server 0.00008; gnomAD 0.00008 and 0.00011; TOPMed 0.00011.
gnomAD v4.1: 19 of 1,613,160 alleles (0.0012%); highest among the groups gnomAD compares: African/African-American, 0.024%; no homozygotes.

Submission:

Labcorp Genetics (formerly Invitae), Labcorp
Classification: Uncertain significance for Primary ciliary dyskinesia 6. Last evaluated: 2025-04-07. Review status: criteria provided, single submitter. Criteria: Invitae Variant Classification Sherloc (09022015). Collection method: clinical testing. Allele origin: germline.
Comment: This sequence change replaces threonine, which is neutral and polar, with arginine, which is basic and polar, at codon 190 of the NME8 protein (p.Thr190Arg). This variant is present in population databases (rs149877831, gnomAD 0.03%). This variant has not been reported in the literature in individuals affected with NME8-related conditions. ClinVar contains an entry for this variant (Variation ID: 1365823). Invitae Evidence Modeling of protein sequence and biophysical properties (such as structural, functional, and spatial information, amino acid conservation, physicochemical variation, residue mobility, and thermodynamic stability) indicates that this missense variant is not expected to disrupt NME8 protein function with a negative predictive value of 80%. In summary, the available evidence is currently insufficient to determine the role of this variant in disease. Therefore, it has been classified as a Variant of Uncertain Significance.

NM_016616.5(NME8):c.569C>G (p.Thr190Arg)

Gene: NME8 (NME/NM23 family member 8; plus strand). Cytogenetic location: 7p14.1.
Variant type: single nucleotide variant.
Coding change: c.569C>G on transcript NM_016616.5 (MANE Select); coding-DNA position 569, C replaced by G.
Protein change: p.Thr190Arg; replaces threonine 190 with arginine.
Molecular consequence: missense variant.
Genome position (GRCh38, 1-based): chr7:37,865,565, C>G. VCF-style: chr7-37865565-C-G. GRCh37 (hg19) VCF-style: chr7-37905167-C-G.
Other names: short protein forms T190R.
Identifiers: ClinVar variation 1365823 (VCV001365823.8), dbSNP rs149877831, ClinGen allele CA4222270.